The following is an entry in ClinVar:

NM_003072.5(SMARCA4):c.4252G>T (p.Asp1418Tyr)

Gene: SMARCA4 (SWI/SNF related BAF chromatin remodeling complex subunit ATPase 4; plus strand). Cytogenetic location: 19p13.2.
Variant type: single nucleotide variant.
Coding change: c.4252G>T on transcript NM_003072.5 (MANE Select); coding-DNA position 4252, G replaced by T.
Protein change: p.Asp1418Tyr; replaces aspartic acid 1418 with tyrosine.
Molecular consequence: missense variant. On other transcripts: non-coding transcript variant (1).
Genome position (GRCh38, 1-based): chr19:11,041,388, G>T. VCF-style: chr19-11041388-G-T. GRCh37 (hg19) VCF-style: chr19-11152064-G-T.
Other names: c.4348G>T (NM_001128849.1); c.4252G>T, p.Asp1418Tyr (NM_001128844.3); c.4162G>T, p.Asp1388Tyr (NM_001128845.2, NM_001128846.2); c.4153G>T, p.Asp1385Tyr (NM_001128847.4, NM_001128848.2, NM_001374457.1); c.4348G>T, p.Asp1450Tyr (NM_001128849.3, NM_001387283.1); short protein forms D1385Y, D1388Y, D1418Y, D1450Y.
Identifiers: ClinVar variation 1465963 (VCV001465963.7), dbSNP rs761083981, ClinGen allele CA404073242.
Genomic context (GRCh38, chr19:11,041,388, plus strand): 5'-GAGGAGATCGAAGAGGAGGTCCGGCAGAAGAAATCATCACGGAAGCGCAAGCGAGACAGC[G>T]ACGCCGGCTCCTCCACCCCGACCACCAGCACCCGCAGCCGCGACAAGGACGACGAGAGCA-3'
Protein context (NP_003063.2, residues 1408-1428): KSSRKRKRDS[Asp1418Tyr]AGSSTPTTST

ClinVar aggregate classification (germline): Uncertain significance. Review status: criteria provided, multiple submitters, no conflicts (2 of 4 stars). 2 submissions from 2 submitters: Uncertain significance (2). Last evaluated 2022-11-21.

Conditions:
Rhabdoid tumor predisposition syndrome 2 (RTPS2). Identifiers: Orphanet 231108, Orphanet 69077, MedGen C2750074, MONDO:0013224, OMIM 613325.
Hereditary cancer-predisposing syndrome. Also called: Tumor predisposition; Hereditary neoplastic syndrome; Hereditary Cancer Syndrome; Neoplastic Syndromes, Hereditary. Identifiers: Orphanet 140162, MedGen C0027672, MeSH D009386, MONDO:0015356.

Submissions (2):

Ambry Genetics
Classification: Uncertain significance for Hereditary cancer-predisposing syndrome. Last evaluated: 2022-11-21. Review status: criteria provided, single submitter. Criteria: Ambry Variant Classification Scheme 2023. Collection method: clinical testing. Allele origin: germline.
Comment: The p.D1450Y variant (also known as c.4348G>T), located in coding exon 30 of the SMARCA4 gene, results from a G to T substitution at nucleotide position 4348. The aspartic acid at codon 1450 is replaced by tyrosine, an amino acid with highly dissimilar properties. This amino acid position is well conserved in available vertebrate species. In addition, the in silico prediction for this alteration is inconclusive. Missense and in-frame variants in SMARCA4 are known to cause neurodevelopmental disorders; however, such associations with rhabdoid tumor predisposition syndrome including small cell carcinoma of the ovary-hypercalcemic type (SCCOHT) are exceedingly rare (Kosho T et al. Am J Med Genet C Semin Med Genet. 2014 Sep;166C(3):262-75; Jelinic P et al. Nat Genet. 2014 May;46(5):424-6). Based on the supporting evidence, the association of this alteration with Coffin-Siris syndrome is unknown; however, the association of this alteration with rhabdoid tumor predisposition syndrome is unlikely.

Labcorp Genetics (formerly Invitae), Labcorp
Classification: Uncertain significance for Rhabdoid tumor predisposition syndrome 2. Last evaluated: 2021-10-13. Review status: criteria provided, single submitter. Criteria: Invitae Variant Classification Sherloc (09022015). Collection method: clinical testing. Allele origin: germline.
Comment: This sequence change replaces aspartic acid with tyrosine at codon 1450 of the SMARCA4 protein (p.Asp1450Tyr). The aspartic acid residue is highly conserved and there is a large physicochemical difference between aspartic acid and tyrosine. In summary, the available evidence is currently insufficient to determine the role of this variant in disease. Therefore, it has been classified as a Variant of Uncertain Significance. Algorithms developed to predict the effect of missense changes on protein structure and function (SIFT, PolyPhen-2, Align-GVGD) all suggest that this variant is likely to be disruptive. This variant has not been reported in the literature in individuals affected with SMARCA4-related conditions. This variant is not present in population databases (ExAC no frequency).